The following is an entry in ClinVar:

ClinVar aggregate classification (germline): Conflicting classifications of pathogenicity. Review status: criteria provided, conflicting classifications (1 of 4 stars). 6 submissions from 6 submitters: Likely pathogenic (1); Uncertain significance (3). 2 of the submissions do not count toward it. Last evaluated 2026-06-01.

Conditions:
Hyperinsulinemic hypoglycemia, familial, 2. Also called: HYPERINSULINEMIC HYPOGLYCEMIA, PERSISTENT; HYPERINSULINISM, NEONATAL. Identifiers: Orphanet 276580, Orphanet 276603, MedGen C2931833, MONDO:0011153, OMIM 601820. Disease mechanism: loss of function.
Diabetes mellitus, transient neonatal, 3 (TNDM3). Identifiers: Orphanet 99886, MedGen C1864623, MONDO:0012522, OMIM 610582. Disease mechanism: loss of function.
Type 2 diabetes mellitus. Also called: Type II diabetes mellitus. Identifiers: MedGen C0011860, MeSH D003924, MONDO:0005148, OMIM 125853, HP:0005978.
Diabetes mellitus, permanent neonatal 2. Also called: KCNJ11-Related Permanent Neonatal Diabetes Mellitus. Identifiers: MedGen C5394296, MONDO:0030087, OMIM 618856.
Maturity-onset diabetes of the young type 13. Also called: MODY, TYPE 13. Identifiers: Orphanet 552, MedGen C4225365, MONDO:0014589, OMIM 616329.
Maturity-onset diabetes of the young (MODY). Also called: Maturity onset diabetes mellitus in young. Identifiers: Orphanet 552, MedGen C0342276, MONDO:0018911, HP:0004904.
Permanent neonatal diabetes mellitus 1. Also called: GCK-Related Permanent Neonatal Diabetes Mellitus. Identifiers: MedGen C5393570, MONDO:0100165, OMIM 606176.

Allele frequency attached by ClinVar (database versions not stated): TOPMed 0.00002; gnomAD 0.00003.

Submissions (6):

CeGaT Center for Human Genetics Tuebingen
Classification: Uncertain significance. Last evaluated: 2026-06-01. Review status: criteria provided, single submitter. Criteria: CeGaT Center For Human Genetics Tuebingen Variant Classification Criteria Version 2. Collection method: clinical testing. Allele origin: germline. Affected: yes. Observed: 1 variant allele.
Comment: KCNJ11: PM2, PP1, PS3:Supporting, PS4:Supporting

GeneDx
Classification: Uncertain significance. Last evaluated: 2024-06-02. Review status: criteria provided, single submitter. Criteria: GeneDx Variant Classification Process June 2021. Collection method: clinical testing. Allele origin: germline. Affected: yes.
Comment: In silico analysis supports that this missense variant has a deleterious effect on protein structure/function; Not observed at significant frequency in large population cohorts (gnomAD); This variant is associated with the following publications: (PMID: 24018988, 34465386)

Department of Pathology and Laboratory Medicine, Sinai Health System
Classification: Likely pathogenic for Diabetes mellitus, transient neonatal, 3; Diabetes mellitus, permanent neonatal 2; Maturity-onset diabetes of the young type 13. Last evaluated: 2023-04-03. Review status: criteria provided, single submitter. Criteria: ACMG Guidelines, 2015. Collection method: research. Allele origin: germline.

Fulgent Genetics
Classification: Uncertain significance for Type 2 diabetes mellitus; Hyperinsulinemic hypoglycemia, familial, 2; Diabetes mellitus, transient neonatal, 3; Maturity-onset diabetes of the young type 13; Diabetes mellitus, permanent neonatal 2. Last evaluated: 2021-08-23. Review status: criteria provided, single submitter. Criteria: ACMG Guidelines, 2015. Collection method: clinical testing. Allele origin: unknown.

Counsyl
Classification: Uncertain significance for Hyperinsulinemic hypoglycemia, familial, 2; Permanent neonatal diabetes mellitus 1; Diabetes mellitus, transient neonatal, 3. Last evaluated: 2017-06-13. Review status: no assertion criteria provided. Collection method: clinical testing. Allele origin: unknown. Not counted in ClinVar's aggregate classification.

Clinical Genomics, Uppaluri K&H Personalized Medicine Clinic
Classification: Benign for Maturity-onset diabetes of the young. Review status: flagged submission. Criteria: K & H Uppaluri Personalized Medicine Clinic Variant Classification & Assertion Criteria_Updated V.1. Collection method: research. Allele origin: unknown. Inheritance: Autosomal dominant inheritance. Affected: yes. Not counted in ClinVar's aggregate classification.
Comment: Mutations in KCNJ11 gene can cause decreased production and secretion of insulin. This can lead to MODY which may be responsive to oral sulfonylureas. This particular variant (rs750778014) of KCNJ11 gene is also associated with early onset Type II diabetes Mellitus.
ClinVar note: Reason: Outlier claim with insufficient supporting evidence

Literature cited by the submitters: PubMed 24018988 (cited by Counsyl and Clinical Genomics, Uppaluri K&H Personalized Medicine Clinic).

NM_000525.4(KCNJ11):c.575G>A (p.Arg192His)

Gene: KCNJ11 (potassium inwardly rectifying channel subfamily J member 11; minus strand). Cytogenetic location: 11p15.1.
Variant type: single nucleotide variant.
Coding change: c.575G>A on transcript NM_000525.4 (MANE Select); coding-DNA position 575, G replaced by A.
Protein change: p.Arg192His; replaces arginine 192 with histidine.
Molecular consequence: missense variant.
Genome position (GRCh38, 1-based): chr11:17,387,517, C>T on the plus strand (G>A on the coding strand, the complement: KCNJ11 is on the minus strand). VCF-style: chr11-17387517-C-T. GRCh37 (hg19) VCF-style: chr11-17409064-C-T.
Other names: c.314G>A, p.Arg105His (NM_001166290.2, NM_001377296.1, NM_001377297.1); short protein forms R192H, R105H.
Identifiers: ClinVar variation 552480 (VCV000552480.14), dbSNP rs750778014, ClinGen allele CA5902279.